The following is an entry in ClinVar:

NM_000587.4(C7):c.1028A>G (p.His343Arg)

Gene: C7 (complement C7; plus strand). Cytogenetic location: 5p13.1.
Variant type: single nucleotide variant.
Coding change: c.1028A>G on transcript NM_000587.4 (MANE Select); coding-DNA position 1028, A replaced by G.
Protein change: p.His343Arg; replaces histidine 343 with arginine.
Molecular consequence: missense variant.
Genome position (GRCh38, 1-based): chr5:40,949,949, A>G. VCF-style: chr5-40949949-A-G. GRCh37 (hg19) VCF-style: chr5-40950051-A-G.
Other names: short protein forms H343R.
Identifiers: ClinVar variation 1513457 (VCV001513457.3), dbSNP rs768503454, ClinGen allele CA117215193.

ClinVar aggregate classification (germline): Uncertain significance (1 of 4 stars; one submission).

gnomAD v4.1: 44 of 1,601,382 alleles (0.0027%); highest among the groups gnomAD compares: Non-Finnish European, 0.0037%; no homozygotes.

Submission:

Labcorp Genetics (formerly Invitae), Labcorp
Classification: Uncertain significance. Last evaluated: 2021-09-06. Review status: criteria provided, single submitter. Criteria: Invitae Variant Classification Sherloc (09022015). Collection method: clinical testing. Allele origin: germline.
Comment: This sequence change replaces histidine with arginine at codon 343 of the C7 protein (p.His343Arg). The histidine residue is weakly conserved and there is a small physicochemical difference between histidine and arginine. This variant is not present in population databases (ExAC no frequency). This variant has not been reported in the literature in individuals affected with C7-related conditions. Algorithms developed to predict the effect of missense changes on protein structure and function output the following: SIFT: "Tolerated"; PolyPhen-2: "Benign"; Align-GVGD: "Class C0". The arginine amino acid residue is found in multiple mammalian species, which suggests that this missense change does not adversely affect protein function. In summary, the available evidence is currently insufficient to determine the role of this variant in disease. Therefore, it has been classified as a Variant of Uncertain Significance.